The following is an entry in ClinVar:

ClinVar aggregate classification (germline): Likely benign (1 of 4 stars; one submission).

Conditions:
Catecholaminergic polymorphic ventricular tachycardia (CVPT). Also called: Catecholamine-induced polymorphic ventricular tachycardia. Identifiers: Orphanet 3286, MedGen C5574922, MONDO:0017990.

Submission:

All of Us Research Program, National Institutes of Health
Classification: Likely benign for Catecholaminergic polymorphic ventricular tachycardia. Last evaluated: 2024-05-14. Review status: criteria provided, single submitter. Criteria: ACMG Guidelines, 2015. Collection method: clinical testing. Allele origin: germline. Inheritance: Autosomal dominant inheritance. Observed: 1 variant allele, 1 heterozygote.
Comment: This study involves interpretation of variants in research participants for the purpose of population health screening. Participant phenotype was not available at the time of variant classification. Additional details can be found in publication PMID: 35346344, PMCID: PMC8962531

NM_001035.3(RYR2):c.14152-4A>T

Gene: RYR2 (ryanodine receptor 2; plus strand). Cytogenetic location: 1q43.
Variant type: single nucleotide variant.
Coding change: c.14152-4A>T on transcript NM_001035.3 (MANE Select); 4 bases into the intron before coding-DNA position 14152, A replaced by T.
Molecular consequence: intron variant.
Genome position (GRCh38, 1-based): chr1:237,806,133, A>T. VCF-style: chr1-237806133-A-T. GRCh37 (hg19) VCF-style: chr1-237969433-A-T.
Identifiers: ClinVar variation 3385877 (VCV003385877.1).